The following is an entry in ClinVar:

ClinVar aggregate classification (germline): Likely benign. Review status: criteria provided, multiple submitters, no conflicts (2 of 4 stars). 2 submissions from 2 submitters: Likely benign (2). Last evaluated 2025-09-12.

Conditions:
Inborn genetic diseases. Identifiers: MedGen C0950123, MeSH D030342.
EBP-related disorder. Also called: EBP-related condition.

gnomAD v4.1: 12 of 1,173,009 alleles (0.001%); highest among the groups gnomAD compares: African/African-American, 0.011%; no homozygotes.

Submissions (2):

PreventionGenetics, part of Exact Sciences
Classification: Likely benign for EBP-related condition. Last evaluated: 2025-09-12. Review status: criteria provided, single submitter. Criteria: ACMG Guidelines, 2015. Collection method: clinical testing. Allele origin: germline.
Comment: This variant is classified as likely benign based on ACMG/AMP sequence variant interpretation guidelines (Richards et al. 2015 PMID: 25741868, with internal and published modifications).

Ambry Genetics
Classification: Likely benign for Inborn genetic diseases. Last evaluated: 2025-04-24. Review status: criteria provided, single submitter. Criteria: Ambry Variant Classification Scheme 2023. Collection method: clinical testing. Allele origin: germline.

NM_006579.3(EBP):c.651G>A (p.Thr217=)

Gene: EBP (EBP cholestenol delta-isomerase; plus strand). Cytogenetic location: Xp11.23.
Variant type: single nucleotide variant.
Coding change: c.651G>A on transcript NM_006579.3 (MANE Select); coding-DNA position 651, G replaced by A.
Protein change: p.Thr217=; no amino-acid change (threonine 217 retained).
Molecular consequence: synonymous variant.
Genome position (GRCh38, 1-based): chrX:48,528,415, G>A. VCF-style: chrX-48528415-G-A. GRCh37 (hg19) VCF-style: chrX-48386803-G-A.
Identifiers: ClinVar variation 4015967 (VCV004015967.2).